The following is an entry in ClinVar:

ClinVar aggregate classification (germline): Uncertain significance. Review status: criteria provided, multiple submitters, no conflicts (2 of 4 stars). 2 submissions from 2 submitters: Uncertain significance (2). Last evaluated 2025-01-17.

Conditions:
Hereditary cancer-predisposing syndrome. Also called: Neoplastic Syndromes, Hereditary; Tumor predisposition; Hereditary Cancer Syndrome; Hereditary neoplastic syndrome. Identifiers: Orphanet 140162, MedGen C0027672, MeSH D009386, MONDO:0015356.
Hereditary nonpolyposis colorectal neoplasms. Identifiers: MedGen C0009405, MeSH D003123.

Submissions (2):

Ambry Genetics
Classification: Uncertain significance for Hereditary cancer-predisposing syndrome. Last evaluated: 2025-01-17. Review status: criteria provided, single submitter. Criteria: Ambry Variant Classification Scheme 2023. Collection method: clinical testing. Allele origin: germline.
Comment: The p.H578D variant (also known as c.1732C>G), located in coding exon 4 of the MSH6 gene, results from a C to G substitution at nucleotide position 1732. The histidine at codon 578 is replaced by aspartic acid, an amino acid with similar properties. This amino acid position is highly conserved in available vertebrate species. In addition, this alteration is predicted to be deleterious by in silico analysis. Based on the available evidence, the clinical significance of this variant remains unclear.

Labcorp Genetics (formerly Invitae), Labcorp
Classification: Uncertain significance for Hereditary nonpolyposis colorectal neoplasms. Last evaluated: 2018-11-10. Review status: criteria provided, single submitter. Criteria: Invitae Variant Classification Sherloc (09022015). Collection method: clinical testing. Allele origin: germline.
Comment: This variant has not been reported in the literature in individuals with MSH6-related disease. This variant is not present in population databases (ExAC no frequency). This sequence change replaces histidine with aspartic acid at codon 578 of the MSH6 protein (p.His578Asp). The histidine residue is highly conserved and there is a moderate physicochemical difference between histidine and aspartic acid. Algorithms developed to predict the effect of missense changes on protein structure and function (SIFT, PolyPhen-2, Align-GVGD) all suggest that this variant is likely to be disruptive, but these predictions have not been confirmed by published functional studies and their clinical significance is uncertain. In summary, the available evidence is currently insufficient to determine the role of this variant in disease. Therefore, it has been classified as a Variant of Uncertain Significance.

NM_000179.3(MSH6):c.1732C>G (p.His578Asp)

Gene: MSH6 (mutS homolog 6; plus strand). Cytogenetic location: 2p16.3.
Variant type: single nucleotide variant.
Coding change: c.1732C>G on transcript NM_000179.3 (MANE Select); coding-DNA position 1732, C replaced by G.
Protein change: p.His578Asp; replaces histidine 578 with aspartic acid.
Molecular consequence: missense variant.
Genome position (GRCh38, 1-based): chr2:47,799,715, C>G. VCF-style: chr2-47799715-C-G. GRCh37 (hg19) VCF-style: chr2-48026854-C-G.
Other names: c.1342C>G, p.His448Asp (NM_001281492.2); c.826C>G, p.His276Asp (NM_001281493.2, NM_001281494.2); short protein forms H448D, H276D, H578D.
Identifiers: ClinVar variation 648572 (VCV000648572.10), dbSNP rs768854566, ClinGen allele CA346748778.